The following is an entry in ClinVar:

ClinVar aggregate classification (germline): Likely pathogenic (1 of 4 stars; one submission).

Conditions:
Epidermolysis bullosa dystrophica. Also called: Dystrophic epidermolysis bullosa, Hallopeau-Siemens type (formerly); Dystrophic epidermolysis bullosa. Identifiers: Orphanet 303, MedGen C0079294, MONDO:0006543.

Submission:

Natera, Inc.
Classification: Likely pathogenic for Dystrophic epidermolysis bullosa. Last evaluated: 2024-12-21. Review status: criteria provided, single submitter. Criteria: Natera Variant Classification Schema (03/2026). Collection method: clinical testing. Allele origin: germline.
Comment: The c.2498dup variant in COL7A1 is a frameshift variant predicted to shift the reading frame beginning at codon 834 and leads to a stop codon 32 codons downstream. This variant is expected to result in nonsense mediated decay, truncation, or a dysfunctional protein product. This variant is rare in the general population with a frequency below the threshold expected for the associated phenotype(s). Given the available evidence, this variant is classified as Likely Pathogenic.

NM_000094.4(COL7A1):c.2498dup (p.Leu834fs)

Gene: COL7A1 (collagen type VII alpha 1 chain; minus strand). Cytogenetic location: 3p21.31.
Variant type: Duplication.
Coding change: c.2498dup on transcript NM_000094.4 (MANE Select); coding-DNA position 2498, one base duplicated (G; older notation c.2498dupG).
Protein change: p.Leu834fs; shifts the reading frame from leucine 834.
Molecular consequence: frameshift variant.
Genome position (GRCh38, 1-based): chr3:48,588,731, C duplicated on the plus strand (G on the coding strand, the reverse complement: COL7A1 is on the minus strand); the first of 4 consecutive C bases (chr3:48,588,731-48,588,734); duplicating any one gives the same sequence. VCF-style (leftmost placement, unchanged base first): chr3-48588730-A-AC. GRCh37 (hg19) VCF-style: chr3-48626163-A-AC.
Other names: c.2498dup (NM_000094.3); short protein forms L834fs.
Identifiers: ClinVar variation 4817364 (VCV004817364.1).
Genomic context (GRCh38, chr3:48,588,730, plus strand): 5'-GCCCTCGCGGTCCCCGACAAGTGCAGTCACTCGCACTGAGTAGCTGACTCCACCTTCGAG[A>AC]CCCCGGATCTCTGCAGAGTCTGTGTTTCCTGGGAGTATCTGGTGCCTCATGGGGCCGCCT-3'